The following is an entry in ClinVar:

ClinVar aggregate classification (germline): Benign/Likely benign. Review status: criteria provided, multiple submitters, no conflicts (2 of 4 stars). 4 submissions from 4 submitters: Benign (2); Likely benign (2). Last evaluated 2026-06-01.

Allele frequency attached by ClinVar (database versions not stated): 1000 Genomes Project 30x 0.00656; 1000 Genomes Project 0.00679; gnomAD 0.00703 and 0.00715; gnomAD exomes 0.00727 and 0.00886; TOPMed 0.00743; ExAC 0.00897; ESP Exome Variant Server 0.00940.
gnomAD v4.1: 13,174 of 1,511,384 alleles (0.87%); highest among the groups gnomAD compares: Middle Eastern, 2.4%; 102 homozygotes.

Submissions (4):

CeGaT Center for Human Genetics Tuebingen
Classification: Benign. Last evaluated: 2026-06-01. Review status: criteria provided, single submitter. Criteria: CeGaT Center For Human Genetics Tuebingen Variant Classification Criteria Version 2. Collection method: clinical testing. Allele origin: germline. Affected: yes. Observed: 2 variant alleles.
Comment: PIP5K1C: BS1, BS2

Labcorp Genetics (formerly Invitae), Labcorp
Classification: Benign. Last evaluated: 2026-01-11. Review status: criteria provided, single submitter. Criteria: Invitae Variant Classification Sherloc (09022015). Collection method: clinical testing. Allele origin: germline.

GeneDx
Classification: Likely benign. Last evaluated: 2019-11-14. Review status: criteria provided, single submitter. Criteria: GeneDx Variant Classification Process June 2021. Collection method: clinical testing. Allele origin: germline. Affected: yes.

Breakthrough Genomics
Classification: Likely benign. Review status: criteria provided, single submitter. Criteria: ACMG Guidelines, 2015. Collection method: not provided. Allele origin: germline. Inheritance: Autosomal recessive inheritance. Affected: yes.

NM_012398.3(PIP5K1C):c.1966G>A (p.Ala656Thr)

Gene: PIP5K1C (phosphatidylinositol-4-phosphate 5-kinase type 1 gamma; minus strand). Cytogenetic location: 19p13.3.
Variant type: single nucleotide variant.
Coding change: c.1966G>A on transcript NM_012398.3 (MANE Select); coding-DNA position 1966, G replaced by A.
Protein change: p.Ala656Thr; replaces alanine 656 with threonine.
Molecular consequence: missense variant. On other transcripts: intron variant (1).
Genome position (GRCh38, 1-based): chr19:3,633,475, C>T on the plus strand (G>A on the coding strand, the complement: PIP5K1C is on the minus strand). VCF-style: chr19-3633475-C-T. GRCh37 (hg19) VCF-style: chr19-3633473-C-T.
Other names: c.1921-306G>A (NM_001195733.2); short protein forms A656T.
Identifiers: ClinVar variation 716239 (VCV000716239.31), dbSNP rs35014191, ClinGen allele CA9081913.